The following is an entry in ClinVar:

NM_000059.4(BRCA2):c.682-2A>C

Gene: BRCA2 (BRCA2 DNA repair associated; plus strand). Cytogenetic location: 13q13.1.
Variant type: single nucleotide variant.
Coding change: c.682-2A>C on transcript NM_000059.4 (MANE Select); the canonical splice acceptor site of the intron before coding-DNA position 682, A replaced by C.
Molecular consequence: splice acceptor variant.
Genome position (GRCh38, 1-based): chr13:32,330,917, A>C. VCF-style: chr13-32330917-A-C. GRCh37 (hg19) VCF-style: chr13-32905054-A-C.
Other names: c.682-2A>C (NM_001406720.1, NM_001406719.1, NM_001406721.1); c.313-2A>C (NM_001406722.1).
Identifiers: ClinVar variation 267659 (VCV000267659.17), dbSNP rs878853287, ClinGen allele CA10602526.
Genomic context (GRCh38, chr13:32,330,917, plus strand): 5'-ACTACTACTATATGTGCATTGAGAGTTTTTATACTAGTGATTTTAAACTATAATTTTTGC[A>C]GAATGTGAAAAGCTATTTTTCCAATCATGATGAAAGTCTGAAGAAAAATGATAGATTTAT-3'

ClinVar aggregate classification (germline): Pathogenic/Likely pathogenic. Review status: criteria provided, multiple submitters, no conflicts (2 of 4 stars). 4 submissions from 4 submitters: Pathogenic (3); Likely pathogenic (1). Last evaluated 2022-07-12.

Conditions:
Breast-ovarian cancer, familial, susceptibility to, 2 (BROVCA2). Also called: BRCA2 Hereditary Breast and Ovarian Cancer. Identifiers: Orphanet 145, MedGen C2675520, MONDO:0012933, OMIM 612555. Disease mechanism: loss of function.
Hereditary cancer-predisposing syndrome. Also called: Hereditary neoplastic syndrome; Neoplastic Syndromes, Hereditary; Tumor predisposition; Hereditary Cancer Syndrome. Identifiers: Orphanet 140162, MedGen C0027672, MeSH D009386, MONDO:0015356.
Hereditary breast ovarian cancer syndrome. Also called: BRCA1- and BRCA2-Associated Hereditary Breast and Ovarian Cancer; Hereditary breast and ovarian cancer; Breast and ovarian cancer; Hereditary breast and/or ovarian cancer syndrome; Hereditary breast and ovarian cancer syndrome; Hereditary breast and ovarian cancer syndrome (HBOC). Identifiers: Orphanet 145, MedGen C0677776, MeSH D061325, MONDO:0003582. Disease mechanism: loss of function.

Submissions (4):

Labcorp Genetics (formerly Invitae), Labcorp
Classification: Pathogenic for Hereditary breast ovarian cancer syndrome. Last evaluated: 2022-07-12. Review status: criteria provided, single submitter. Criteria: Invitae Variant Classification Sherloc (09022015). Collection method: clinical testing. Allele origin: germline.
Comment: For these reasons, this variant has been classified as Pathogenic. Studies have shown that disruption of this splice site alters mRNA splicing and is expected to lead to the loss of protein expression (PMID: 30883759). ClinVar contains an entry for this variant (Variation ID: 267659). Disruption of this splice site has been observed in individual(s) with breast cancer (PMID: 24607278). This variant is not present in population databases (gnomAD no frequency). This sequence change affects an acceptor splice site in intron 8 of the BRCA2 gene. RNA analysis indicates that disruption of this splice site induces altered splicing and may result in an absent or disrupted protein product.

GeneDx
Classification: Likely pathogenic. Last evaluated: 2022-04-26. Review status: criteria provided, single submitter. Criteria: GeneDx Variant Classification Process June 2021. Collection method: clinical testing. Allele origin: germline. Affected: yes.
Comment: Canonical splice site variant predicted to result in a null allele in a gene for which loss of function is a known mechanism of disease; Not observed at significant frequency in large population cohorts (gnomAD); Published RNA studies demonstrate abnormal splicing resulting in transcripts lacking all or part of exon 9 (Santos 2014); Identified in individuals with personal or family history of breast/ovarian cancer (Santos 2014, Peixoto 2015); Also known as 910-2A>C; This variant is associated with the following publications: (PMID: 29446198, 33159495, 24916970, 24607278)

Ambry Genetics
Classification: Pathogenic for Hereditary cancer-predisposing syndrome. Last evaluated: 2018-01-08. Review status: criteria provided, single submitter. Criteria: Ambry Variant Classification Scheme 2023. Collection method: clinical testing. Allele origin: germline.
Comment: The c.682-2A>C intronic pathogenic mutation results from an A to C substitution two nucleotides upstream from coding exon 8 in the BRCA2 gene. In addition, this alteration was shown to result in abnormal splicing that includes two out-of-frame transcripts: one lacking exon 9 (coding exon 8), and another lacking 73 nucleotides of exon 9 (coding exon 8) (Santos C et al. J Mol Diagn, 2014 May;16:324-34). Furthermore, BRCA2 c.682-2A>G is a close-match pathogenic alteration that has been identified in 1/312 male breast cancer patients with a family history of HBOC and demonstrates a very similar aberrant splicing pattern (de Juan I et al. Fam. Cancer, 2015 Dec;14:505-13; de Garibay GR et al. Hum. Mutat., 2014 Jan;35:53-7). In addition to the clinical data presented in the literature, alterations that disrupt the canonical splice site are expected to cause aberrant splicing, resulting in an abnormal protein or a transcript that is subject to nonsense-mediated mRNA decay. As such, this alteration is classified as a disease-causing mutation.

Consortium of Investigators of Modifiers of BRCA1/2 (CIMBA), c/o University of Cambridge
Classification: Pathogenic for Breast-ovarian cancer, familial, susceptibility to, 2. Last evaluated: 2015-10-02. Review status: criteria provided, single submitter. Criteria: CIMBA Mutation Classification guidelines May 2016. Collection method: clinical testing. Allele origin: germline.

Literature cited by the submitters: PubMed 30883759 (cited by Labcorp Genetics (formerly Invitae), Labcorp); PubMed 24607278 (cited by Labcorp Genetics (formerly Invitae), Labcorp and Ambry Genetics); PubMed 24123850 (cited by Ambry Genetics); PubMed 26026974 (cited by Ambry Genetics).